The following is an entry in ClinVar:

NM_001365536.1(SCN9A):c.2678A>G (p.Lys893Arg)

Genes: SCN9A (sodium voltage-gated channel alpha subunit 9; minus strand), SCN1A-AS1 (SCN1A and SCN9A antisense RNA 1; plus strand). Cytogenetic location: 2q24.3.
Variant type: single nucleotide variant.
Coding change: c.2678A>G on transcript NM_001365536.1 (MANE Select); coding-DNA position 2678, A replaced by G.
Protein change: p.Lys893Arg; replaces lysine 893 with arginine.
Molecular consequence: missense variant. On other transcripts: non-coding transcript variant (1).
Genome position (GRCh38, 1-based): chr2:166,277,179, T>C on the plus strand (A>G on the coding strand, the complement: SCN9A is on the minus strand). VCF-style: chr2-166277179-T-C. GRCh37 (hg19) VCF-style: chr2-167133689-T-C.
Other names: p.Lys882Arg; c.2645A>G, p.Lys882Arg (NM_002977.4); short protein forms K893R, K882R.
Identifiers: ClinVar variation 944391 (VCV000944391.9), dbSNP rs1000128305, ClinGen allele CA59794652.

ClinVar aggregate classification (germline): Uncertain significance. Review status: criteria provided, multiple submitters, no conflicts (2 of 4 stars). 2 submissions from 2 submitters: Uncertain significance (2). Last evaluated 2025-06-04.

Conditions:
Neuropathy, hereditary sensory and autonomic, type 2A (HSAN2A). Also called: HSAN IIA; MORVAN DISEASE; NEUROPATHY, CONGENITAL SENSORY; NEUROPATHY, HEREDITARY SENSORY RADICULAR, AUTOSOMAL RECESSIVE; NEUROPATHY, HEREDITARY SENSORY, TYPE IIA; NEUROPATHY, PROGRESSIVE SENSORY, OF CHILDREN. Identifiers: Orphanet 970, MedGen C2752089, MONDO:0024309, OMIM 201300.
Generalized epilepsy with febrile seizures plus, type 7 (GEFSP7). Also called: GEFS+, TYPE 7. Identifiers: Orphanet 36387, MedGen C2751778, MONDO:0013470, OMIM 613863.

Allele frequency attached by ClinVar (database versions not stated): gnomAD exomes below 0.00001; TOPMed 0.00003; gnomAD 0.00005.
gnomAD v4.1: 12 of 1,613,932 alleles (0.00074%); highest among the groups gnomAD compares: African/African-American, 0.015%; no homozygotes.

Submissions (2):

Labcorp Genetics (formerly Invitae), Labcorp
Classification: Uncertain significance for Neuropathy, hereditary sensory and autonomic, type 2A; Generalized epilepsy with febrile seizures plus, type 7. Last evaluated: 2025-06-04. Review status: criteria provided, single submitter. Criteria: Invitae Variant Classification Sherloc (09022015). Collection method: clinical testing. Allele origin: germline.
Comment: This sequence change replaces lysine, which is basic and polar, with arginine, which is basic and polar, at codon 882 of the SCN9A protein (p.Lys882Arg). This variant is present in population databases (no rsID available, gnomAD 0.02%). This variant has not been reported in the literature in individuals affected with SCN9A-related conditions. ClinVar contains an entry for this variant (Variation ID: 944391). Invitae Evidence Modeling of protein sequence and biophysical properties (such as structural, functional, and spatial information, amino acid conservation, physicochemical variation, residue mobility, and thermodynamic stability) indicates that this missense variant is not expected to disrupt SCN9A protein function with a negative predictive value of 95%. In summary, the available evidence is currently insufficient to determine the role of this variant in disease. Therefore, it has been classified as a Variant of Uncertain Significance.

Mayo Clinic Laboratories, Mayo Clinic
Classification: Uncertain significance. Last evaluated: 2025-01-05. Review status: criteria provided, single submitter. Criteria: ACMG Guidelines, 2015. Collection method: clinical testing. Allele origin: germline. Observed: 1 variant allele.